The following is an entry in ClinVar:

ClinVar aggregate classification (germline): Uncertain significance (1 of 4 stars; one submission).

Submission:

Labcorp Genetics (formerly Invitae), Labcorp
Classification: Uncertain significance. Last evaluated: 2021-08-30. Review status: criteria provided, single submitter. Criteria: Invitae Variant Classification Sherloc (09022015). Collection method: clinical testing. Allele origin: germline.
Comment: This sequence change replaces valine with isoleucine at codon 824 of the SLC12A1 protein (p.Val824Ile). The valine residue is weakly conserved and there is a small physicochemical difference between valine and isoleucine. This variant is not present in population databases (ExAC no frequency). This variant has not been reported in the literature in individuals affected with SLC12A1-related conditions. Algorithms developed to predict the effect of missense changes on protein structure and function (SIFT, PolyPhen-2, Align-GVGD) all suggest that this variant is likely to be tolerated. In summary, the available evidence is currently insufficient to determine the role of this variant in disease. Therefore, it has been classified as a Variant of Uncertain Significance.

NM_000338.3(SLC12A1):c.2470G>A (p.Val824Ile)

Gene: SLC12A1 (solute carrier family 12 member 1; plus strand). Cytogenetic location: 15q21.1.
Variant type: single nucleotide variant.
Coding change: c.2470G>A on transcript NM_000338.3 (MANE Select); coding-DNA position 2470, G replaced by A.
Protein change: p.Val824Ile; replaces valine 824 with isoleucine.
Molecular consequence: missense variant.
Genome position (GRCh38, 1-based): chr15:48,274,638, G>A. VCF-style: chr15-48274638-G-A. GRCh37 (hg19) VCF-style: chr15-48566835-G-A.
Other names: c.2470G>A, p.Val824Ile (NM_001184832.2, NM_001384136.1); short protein forms V824I.
Identifiers: ClinVar variation 1037418 (VCV001037418.6), dbSNP rs2041931639, ClinGen allele CA392315644.
Genomic context (GRCh38, chr15:48,274,638, plus strand): 5'-TTTGATTTTGAGATTGGCGTGGTTATAGTCAGAATCAGCCAAGGATTTGACATCTCTCAG[G>A]TTCTTCAGGTGCAAGGTATGTACTTTCTTTATTCAACCAACAAGTATTTATTGAGCACCT-3'
Protein context (NP_000329.2, residues 814-834): RISQGFDISQ[Val824Ile]LQVQEELERL